The following is an entry in ClinVar:

NM_021076.4(NEFH):c.2164G>T (p.Ala722Ser)

Gene: NEFH (neurofilament heavy chain; plus strand). Cytogenetic location: 22q12.2.
Variant type: single nucleotide variant.
Coding change: c.2164G>T on transcript NM_021076.4 (MANE Select); coding-DNA position 2164, G replaced by T.
Protein change: p.Ala722Ser; replaces alanine 722 with serine.
Molecular consequence: missense variant.
Genome position (GRCh38, 1-based): chr22:29,489,804, G>T. VCF-style: chr22-29489804-G-T. GRCh37 (hg19) VCF-style: chr22-29885793-G-T.
Other names: c.2164G>T (NM_021076.3); short protein forms A722S.
Identifiers: ClinVar variation 1517042 (VCV001517042.7), dbSNP rs2063068563, ClinGen allele CA411136232.

ClinVar aggregate classification (germline): Uncertain significance. Review status: criteria provided, multiple submitters, no conflicts (2 of 4 stars). 2 submissions from 2 submitters: Uncertain significance (2). Last evaluated 2024-12-30.

Allele frequency attached by ClinVar (database versions not stated): gnomAD 0.00001.
gnomAD v4.1: 1 of 1,612,602 alleles (0.000062%); highest among the groups gnomAD compares: Non-Finnish European, 0.000085%; no homozygotes.

Submissions (2):

GeneDx
Classification: Uncertain significance. Last evaluated: 2024-12-30. Review status: criteria provided, single submitter. Criteria: GeneDx Variant Classification Process June 2021. Collection method: clinical testing. Allele origin: germline. Affected: yes.
Comment: Not observed at significant frequency in large population cohorts (gnomAD); In silico analysis indicates that this missense variant does not alter protein structure/function; Has not been previously published as pathogenic or benign to our knowledge

Labcorp Genetics (formerly Invitae), Labcorp
Classification: Uncertain significance. Last evaluated: 2022-07-25. Review status: criteria provided, single submitter. Criteria: Invitae Variant Classification Sherloc (09022015). Collection method: clinical testing. Allele origin: germline.
Comment: In summary, the available evidence is currently insufficient to determine the role of this variant in disease. Therefore, it has been classified as a Variant of Uncertain Significance. Advanced modeling of protein sequence and biophysical properties (such as structural, functional, and spatial information, amino acid conservation, physicochemical variation, residue mobility, and thermodynamic stability) performed at Invitae indicates that this missense variant is not expected to disrupt NEFH protein function. This variant is not present in population databases (gnomAD no frequency). This sequence change replaces alanine, which is neutral and non-polar, with serine, which is neutral and polar, at codon 722 of the NEFH protein (p.Ala722Ser). This variant has not been reported in the literature in individuals affected with NEFH-related conditions. ClinVar contains an entry for this variant (Variation ID: 1517042).